The following is an entry in ClinVar:

NM_000540.3(RYR1):c.10230G>A (p.Pro3410=)

Gene: RYR1 (ryanodine receptor 1; plus strand). Cytogenetic location: 19q13.2.
Variant type: single nucleotide variant.
Coding change: c.10230G>A on transcript NM_000540.3 (MANE Select); coding-DNA position 10230, G replaced by A.
Protein change: p.Pro3410=; no amino-acid change (proline 3410 retained).
Molecular consequence: synonymous variant.
Genome position (GRCh38, 1-based): chr19:38,519,425, G>A. VCF-style: chr19-38519425-G-A. GRCh37 (hg19) VCF-style: chr19-39010065-G-A.
Other names: c.10230G>A, p.Pro3410= (NM_001042723.2).
Identifiers: ClinVar variation 544477 (VCV000544477.46), dbSNP rs774663618, ClinGen allele CA052657.

ClinVar aggregate classification (germline): Conflicting classifications of pathogenicity. Review status: criteria provided, conflicting classifications (1 of 4 stars). 8 submissions from 6 submitters: Uncertain significance (4); Likely benign (4). Last evaluated 2025-12-01.

Conditions:
RYR1-related disorder. Also called: RYR1-related disorders; RYR1-related condition. Identifiers: MedGen CN239331.
Congenital multicore myopathy with external ophthalmoplegia (CMYO1B). Also called: MULTICORE MYOPATHY; Minicore myopathy with external ophthalmoplegia; Congenital myopathy 1B, autosomal recessive; Minicore myopathy; MULTIMINICORE DISEASE WITH EXTERNAL OPHTHALMOPLEGIA. Identifiers: Orphanet 598, Orphanet 98905, MedGen C1850674, MONDO:0009712, OMIM 255320, HP:0003789.
Malignant hyperthermia, susceptibility to, 1 (MHS1). Also called: RYR1-Related Malignant Hyperthermia Susceptibility; Anesthesia related hyperthermia; Malignant hyperpyrexia; Fulminating hyperpyrexia; Pharmacogenic myopathy; Malignant hyperthermia suceptibility 1. Identifiers: Orphanet 423, MedGen C2930980, MONDO:0007783, OMIM 145600.
Central core myopathy (CMYO1A). Also called: CONGENITAL MYOPATHY 1A, AUTOSOMAL DOMINANT, WITH SUSCEPTIBILITY TO MALIGNANT HYPERTHERMIA; Central core disease; Myopathy, central fibrillar. Identifiers: Orphanet 597, MedGen C5830701, MONDO:0007294, OMIM 117000.

Allele frequency attached by ClinVar (database versions not stated): gnomAD 0.00002 and 0.00003; TOPMed 0.00002.

Submissions (8):

CeGaT Center for Human Genetics Tuebingen
Classification: Likely benign. Last evaluated: 2025-12-01. Review status: criteria provided, single submitter. Criteria: CeGaT Center For Human Genetics Tuebingen Variant Classification Criteria Version 2. Collection method: clinical testing. Allele origin: germline. Affected: yes. Observed: 2 variant alleles.
Comment: RYR1: BP4, BP7

Labcorp Genetics (formerly Invitae), Labcorp
Classification: Likely benign for RYR1-related disorder. Last evaluated: 2025-04-11. Review status: criteria provided, single submitter. Criteria: Invitae Variant Classification Sherloc (09022015). Collection method: clinical testing. Allele origin: germline.

All of Us Research Program, National Institutes of Health
Classification: Likely benign for Malignant hyperthermia, susceptibility to, 1. Last evaluated: 2023-08-08. Review status: criteria provided, single submitter. Criteria: ACMG Guidelines, 2015. Collection method: clinical testing. Allele origin: germline. Inheritance: Autosomal dominant inheritance. Observed: 2 variant alleles, 2 heterozygotes.
Comment: This study involves interpretation of variants in research participants for the purpose of population health screening. Participant phenotype was not available at the time of variant classification. Additional details can be found in publication PMID: 35346344, PMCID: PMC8962531

Color Diagnostics, LLC DBA Color Health
Classification: Likely benign for Malignant hyperthermia, susceptibility to, 1. Last evaluated: 2022-11-06. Review status: criteria provided, single submitter. Criteria: ACMG Guidelines, 2015. Collection method: clinical testing. Allele origin: germline.

Revvity Omics, Revvity
Classification: Uncertain significance. Last evaluated: 2020-02-25. Review status: criteria provided, single submitter. Criteria: ACMG Guidelines, 2015. Collection method: clinical testing. Allele origin: germline.

Illumina Laboratory Services, Illumina
Classification: Uncertain significance for Congenital multicore myopathy with external ophthalmoplegia. Last evaluated: 2018-01-13. Review status: criteria provided, single submitter. Criteria: ICSL Variant Classification Criteria 13 December 2019. Collection method: clinical testing. Allele origin: germline.

Illumina Laboratory Services, Illumina
Classification: Uncertain significance for Central core myopathy. Last evaluated: 2018-01-13. Review status: criteria provided, single submitter. Criteria: ICSL Variant Classification Criteria 13 December 2019. Collection method: clinical testing. Allele origin: germline.

Illumina Laboratory Services, Illumina
Classification: Uncertain significance for Malignant hyperthermia, susceptibility to, 1. Last evaluated: 2018-01-13. Review status: criteria provided, single submitter. Criteria: ICSL Variant Classification Criteria 13 December 2019. Collection method: clinical testing. Allele origin: germline.